The following is an entry in ClinVar:

NM_001111067.4(ACVR1):c.251C>A (p.Pro84Gln)

Gene: ACVR1 (activin A receptor type 1; minus strand). Cytogenetic location: 2q24.1.
Variant type: single nucleotide variant.
Coding change: c.251C>A on transcript NM_001111067.4 (MANE Select); coding-DNA position 251, C replaced by A.
Protein change: p.Pro84Gln; replaces proline 84 with glutamine.
Molecular consequence: missense variant.
Genome position (GRCh38, 1-based): chr2:157,780,417, G>T on the plus strand (C>A on the coding strand, the complement: ACVR1 is on the minus strand). VCF-style: chr2-157780417-G-T. GRCh37 (hg19) VCF-style: chr2-158636929-G-T.
Other names: c.251C>A, p.Pro84Gln (NM_001105.5, NM_001347663.1, NM_001347664.1 and 3 more transcripts); short protein forms P84Q.
Identifiers: ClinVar variation 3000874 (VCV003000874.3), dbSNP rs775537696, ClinGen allele CA1919203.
Genomic context (GRCh38, chr2:157,780,417, plus strand): 5'-GTGATGTTCCTGTTACACCAGTCCCCTTGGCAGCACTCCACGGCTTGGCCAGGGGACGGC[G>T]GGGTCTTACAGGTCATCTTTCCCTGCTCATAAACCTGGAAGCAGCCTTTCTGGTAGACGT-3'
Protein context (NP_001104537.1, residues 74-94): YEQGKMTCKT[Pro84Gln]PSPGQAVECC

ClinVar aggregate classification (germline): Uncertain significance (1 of 4 stars; one submission).

Allele frequency attached by ClinVar (database versions not stated): TOPMed 0.00001.
gnomAD v4.1: 8 of 1,614,102 alleles (0.0005%); highest among the groups gnomAD compares: Non-Finnish European, 0.00068%; no homozygotes.

Submission:

Labcorp Genetics (formerly Invitae), Labcorp
Classification: Uncertain significance. Last evaluated: 2025-03-31. Review status: criteria provided, single submitter. Criteria: Invitae Variant Classification Sherloc (09022015). Collection method: clinical testing. Allele origin: germline.
Comment: This sequence change replaces proline, which is neutral and non-polar, with glutamine, which is neutral and polar, at codon 84 of the ACVR1 protein (p.Pro84Gln). This variant is present in population databases (rs775537696, gnomAD 0.002%). This variant has not been reported in the literature in individuals affected with ACVR1-related conditions. ClinVar contains an entry for this variant (Variation ID: 3000874). An algorithm developed to predict the effect of missense changes on protein structure and function (PolyPhen-2) suggests that this variant is likely to be disruptive. In summary, the available evidence is currently insufficient to determine the role of this variant in disease. Therefore, it has been classified as a Variant of Uncertain Significance.